The following is an entry in ClinVar:

ClinVar aggregate classification (germline): Uncertain significance (1 of 4 stars; one submission).

Conditions:
Inborn genetic diseases. Identifiers: MedGen C0950123, MeSH D030342.

Submission:

Ambry Genetics
Classification: Uncertain significance for Inborn genetic diseases. Last evaluated: 2025-12-11. Review status: criteria provided, single submitter. Criteria: Ambry Variant Classification Scheme 2023. Collection method: clinical testing. Allele origin: germline.
Comment: The p.P622R variant (also known as c.1865C>G), located in coding exon 13 of the MIB1 gene, results from a C to G substitution at nucleotide position 1865. The proline at codon 622 is replaced by arginine, an amino acid with dissimilar properties. This amino acid position is conserved. In addition, this alteration is predicted to be deleterious by in silico analysis. Based on the available evidence, the clinical significance of this variant remains unclear.

NM_020774.4(MIB1):c.1865C>G (p.Pro622Arg)

Gene: MIB1 (MIB E3 ubiquitin protein ligase 1; plus strand). Cytogenetic location: 18q11.2.
Variant type: single nucleotide variant.
Coding change: c.1865C>G on transcript NM_020774.4 (MANE Select); coding-DNA position 1865, C replaced by G.
Protein change: p.Pro622Arg; replaces proline 622 with arginine.
Molecular consequence: missense variant.
Genome position (GRCh38, 1-based): chr18:21,838,400, C>G. VCF-style: chr18-21838400-C-G. GRCh37 (hg19) VCF-style: chr18-19418361-C-G.
Other names: short protein forms P622R.
Identifiers: ClinVar variation 4625002 (VCV004625002.1).